The following is an entry in ClinVar:

ClinVar aggregate classification (germline): Benign (0 of 4 stars; one submission).

Conditions:
CTBP2-related disorder. Also called: CTBP2-related condition.

Allele frequency attached by ClinVar (database versions not stated): ESP Exome Variant Server 0.02345; 1000 Genomes Project 30x 0.02842; 1000 Genomes Project 0.02935.
gnomAD v4.1: 49,235 of 1,548,982 alleles (3.2%); highest among the groups gnomAD compares: Middle Eastern, 5.6%; 987 homozygotes.

Submission:

PreventionGenetics, part of Exact Sciences
Classification: Benign for CTBP2-related condition. Last evaluated: 2019-07-11. Review status: no assertion criteria provided. Collection method: clinical testing. Allele origin: germline.
Comment: This variant is classified as benign based on ACMG/AMP sequence variant interpretation guidelines (Richards et al. 2015 PMID: 25741868, with internal and published modifications).

NM_001329.4(CTBP2):c.58+12925C>G

Gene: CTBP2 (C-terminal binding protein 2; minus strand). Cytogenetic location: 10q26.13.
Variant type: single nucleotide variant.
Coding change: c.58+12925C>G on transcript NM_001329.4 (MANE Select); 12925 bases into the intron after coding-DNA position 58, C replaced by G.
Molecular consequence: intron variant.
Genome position (GRCh38, 1-based): chr10:125,026,072, G>C on the plus strand (C>G on the coding strand, the complement: CTBP2 is on the minus strand). VCF-style: chr10-125026072-G-C. GRCh37 (hg19) VCF-style: chr10-126714641-G-C.
Other names: c.58+12925C>G (NM_001083914.3, NM_001290214.3, NM_001321012.2 and 3 more transcripts); c.1678+10C>G (NM_022802.3).
Identifiers: ClinVar variation 3060493 (VCV003060493.2), dbSNP rs12571821, ClinGen allele CA5736135.